The following is an entry in ClinVar:

NM_002734.5(PRKAR1A):c.527T>A (p.Val176Glu)

Gene: PRKAR1A (protein kinase cAMP-dependent type I regulatory subunit alpha; plus strand). Cytogenetic location: 17q24.2.
Variant type: single nucleotide variant.
Coding change: c.527T>A on transcript NM_002734.5 (MANE Select); coding-DNA position 527, T replaced by A.
Protein change: p.Val176Glu; replaces valine 176 with glutamic acid.
Molecular consequence: missense variant.
Genome position (GRCh38, 1-based): chr17:68,524,936, T>A. VCF-style: chr17-68524936-T-A. GRCh37 (hg19) VCF-style: chr17-66521077-T-A.
Other names: c.527T>A, p.Val176Glu (NM_001276289.2, NM_001276290.1, NM_001278433.2 and 4 more transcripts); short protein forms V176E.
Identifiers: ClinVar variation 942357 (VCV000942357.9), dbSNP rs2085739178, ClinGen allele CA400752986.

ClinVar aggregate classification (germline): Uncertain significance (1 of 4 stars; one submission).

Conditions:
Carney complex, type 1 (CNC1). Also called: CARNEY MYXOMA-ENDOCRINE COMPLEX; CARNEY COMPLEX, TYPE I. Identifiers: Orphanet 1359, MedGen C2607929, MONDO:0008057, OMIM 160980.

Submission:

Labcorp Genetics (formerly Invitae), Labcorp
Classification: Uncertain significance for Carney complex, type 1. Last evaluated: 2022-02-20. Review status: criteria provided, single submitter. Criteria: Invitae Variant Classification Sherloc (09022015). Collection method: clinical testing. Allele origin: germline.
Comment: In summary, the available evidence is currently insufficient to determine the role of this variant in disease. Therefore, it has been classified as a Variant of Uncertain Significance. Algorithms developed to predict the effect of missense changes on protein structure and function (SIFT, PolyPhen-2, Align-GVGD) all suggest that this variant is likely to be disruptive. ClinVar contains an entry for this variant (Variation ID: 942357). This variant has not been reported in the literature in individuals affected with PRKAR1A-related conditions. This variant is not present in population databases (gnomAD no frequency). This sequence change replaces valine, which is neutral and non-polar, with glutamic acid, which is acidic and polar, at codon 176 of the PRKAR1A protein (p.Val176Glu).